The following is an entry in ClinVar:

NM_003072.5(SMARCA4):c.1743GAA[4] (p.Lys588_Ala589insLysLys)

Gene: SMARCA4 (SWI/SNF related BAF chromatin remodeling complex subunit ATPase 4; plus strand). Cytogenetic location: 19p13.2.
Variant type: Microsatellite.
Coding change: c.1743GAA[4] on transcript NM_003072.5 (MANE Select); four copies in a row of the 3-base unit GAA starting at c.1743; the reference has two copies in a row; two copies, 6 bases duplicated.
Protein change: p.Lys588_Ala589insLysLys.
Molecular consequence: inframe insertion. On other transcripts: non-coding transcript variant (1).
Genome position (GRCh38, 1-based): chr19:10,996,362-10,996,367, GAAGAA duplicated; duplicating any 6 consecutive bases within chr19:10,996,360-10,996,367 gives the same sequence; the position shown is the placement nearest the transcript's 3' end. VCF-style (leftmost placement, unchanged base first): chr19-10996359-A-AAAGAAG. GRCh37 (hg19) VCF-style: chr19-11107035-A-AAAGAAG.
Other names: c.1743_1748dupGAAGAA (NM_001128849.1); c.1743GAA[4], p.Lys588_Ala589insLysLys (NM_001128844.3, NM_001128845.2, NM_001128846.2 and 6 more transcripts).
Identifiers: ClinVar variation 2682081 (VCV002682081.2), dbSNP rs747503505, ClinGen allele CA9203859.
Genomic context (GRCh38, chr19:10,996,359, plus strand): 5'-CGTGGCTAACCTCACGGAGCTGGTGCGGCAGCACAAGGCTGCCCAGGTCGCCAAGGAGAA[A>AAAGAAG]AAGAAGAAAAAGAAAAAGAAGGTGTGCTGGGCCTGGCATGGTGCCCGCCGCGGGTGGGAT-3'

ClinVar aggregate classification (germline): Uncertain significance. Review status: criteria provided, multiple submitters, no conflicts (2 of 4 stars). 2 submissions from 2 submitters: Uncertain significance (2). Last evaluated 2025-10-02.

Conditions:
Hereditary cancer-predisposing syndrome. Also called: Neoplastic Syndromes, Hereditary; Hereditary neoplastic syndrome; Tumor predisposition; Hereditary Cancer Syndrome. Identifiers: Orphanet 140162, MedGen C0027672, MeSH D009386, MONDO:0015356.

Submissions (2):

Ambry Genetics
Classification: Uncertain significance for Hereditary cancer-predisposing syndrome. Last evaluated: 2025-10-02. Review status: criteria provided, single submitter. Criteria: Ambry Variant Classification Scheme 2023. Collection method: clinical testing. Allele origin: germline.
Comment: The c.1743_1748dupGAAGAA variant (also known as p.K587_K588dup), located in coding exon 9 of the SMARCA4 gene, results from an in-frame duplication of GAAGAA at nucleotide positions 1743 to 1748. This results in the duplication of 2 extra residues (KK) between codons 587 and 588. This amino acid region is well conserved in available vertebrate species. Based on the available evidence, the clinical significance of this variant remains unclear.

Quest Diagnostics Nichols Institute San Juan Capistrano
Classification: Uncertain significance. Last evaluated: 2022-10-27. Review status: criteria provided, single submitter. Criteria: Quest Diagnostics criteria. Collection method: clinical testing. Allele origin: unknown.
Comment: This variant has not been reported in the published literature. The frequency of this variant in the general population, 0.000004 (1/251226 chromosomes), is uninformative in assessment of its pathogenicity. Based on the available information, we are unable to determine the clinical significance of this variant.